The following is an entry in ClinVar:

Conditions:
Breast-ovarian cancer, familial, susceptibility to, 1 (BROVCA1). Also called: BRCA1 Hereditary Breast and Ovarian Cancer; OVARIAN CANCER, SUSCEPTIBILITY TO. Identifiers: Orphanet 145, MedGen C2676676, MONDO:0011450, OMIM 604370. Disease mechanism: loss of function.

Submission:

Brotman Baty Institute, University of Washington
No classification provided (evidence only). Condition: Breast-ovarian cancer, familial 1. Review status: no classification provided. Collection method: in vitro. Allele origin: not applicable. Functional consequence: functionally_normal.
ClinVar note: "not provided" was previously submitted as the classification for the variant. However, the classification appeared to be based only on an observation of functional data so it was converted to no classification on 2025-07-30.

NM_007294.4(BRCA1):c.214A>G (p.Ser72Gly)

Gene: BRCA1 (BRCA1 DNA repair associated; minus strand). Cytogenetic location: 17q21.31.
Variant type: single nucleotide variant.
Coding change: c.214A>G on transcript NM_007294.4 (MANE Select); coding-DNA position 214, A replaced by G.
Protein change: p.Ser72Gly; replaces serine 72 with glycine.
Molecular consequence: missense variant. On other transcripts: non-coding transcript variant (1).
Genome position (GRCh38, 1-based): chr17:43,104,955, T>C on the plus strand (A>G on the coding strand, the complement: BRCA1 is on the minus strand). VCF-style: chr17-43104955-T-C. GRCh37 (hg19) VCF-style: chr17-41256972-T-C.
Other names: c.73A>G, p.Ser25Gly (NM_001408457.1, NM_001408458.1, NM_001408459.1 and 99 more transcripts); c.214A>G, p.Ser72Gly (NM_001408472.1, NM_001408473.1, NM_001408494.1 and 168 more transcripts); c.136A>G, p.Ser46Gly (NM_001408474.1, NM_001408475.1, NM_001408476.1 and 21 more transcripts); c.4A>G, p.Ser2Gly (NM_001408478.1, NM_001408479.1, NM_001408480.1 and 58 more transcripts); c.-168A>G (NM_001408510.1, NM_001408512.1, NM_001407959.1 and 4 more transcripts); c.82A>G, p.Ser28Gly (NM_001408451.1); short protein forms S72G, S25G, S46G, S2G, S28G.
Identifiers: ClinVar variation 867973 (VCV000867973.3), dbSNP rs2054698736, ClinGen allele CA10601734.